The following is an entry in ClinVar:

NM_138927.4(SON):c.2338_2340delinsACT (p.Ser780Thr)

Gene: SON (SON DNA and RNA binding protein; plus strand). Cytogenetic location: 21q22.11.
Variant type: Indel.
Coding change: c.2338_2340delinsACT on transcript NM_138927.4 (MANE Select); coding-DNA positions 2338 to 2340, TCC replaced by ACT.
Protein change: p.Ser780Thr; replaces serine 780 with threonine.
Molecular consequence: missense variant. On other transcripts: non-coding transcript variant (1), intron variant (1).
Genome position (GRCh38, 1-based): chr21:33,551,569-33,551,571, TCC replaced by ACT. VCF-style: chr21-33551569-TCC-ACT. GRCh37 (hg19) VCF-style: chr21-34923875-TCC-ACT.
Other names: c.2338_2340delinsACT, p.Ser780Thr (NM_001291411.2, NM_032195.3); c.244+5190_244+5192delinsACT (NM_001291412.3); short protein forms S780T.
Identifiers: ClinVar variation 3339892 (VCV003339892.1).

ClinVar aggregate classification (germline): Uncertain significance (1 of 4 stars; one submission).

Submission:

Women's Health and Genetics/Laboratory Corporation of America, LabCorp
Classification: Uncertain significance. Last evaluated: 2024-06-21. Review status: criteria provided, single submitter. Criteria: LabCorp Variant Classification Summary - May 2015. Collection method: clinical testing. Allele origin: germline.
Comment: Variant summary: SON c.2338_2340delinsACT (p.Ser780Thr) results in a conservative amino acid change in the encoded protein sequence. Five of five in-silico tools predict a benign effect of the variant on protein function. The variant was absent in 251450 control chromosomes. The available data on variant occurrences in the general population are insufficient to allow any conclusion about variant significance. To our knowledge, no occurrence of c.2338_2340delinsACT in individuals affected with ZTTK Syndrome and no experimental evidence demonstrating its impact on protein function have been reported. No submitters have cited clinical-significance assessments for this variant to ClinVar. Based on the evidence outlined above, the variant was classified as uncertain significance.